The following is an entry in ClinVar:

ClinVar aggregate classification (germline): Uncertain significance (1 of 4 stars; one submission).

Allele frequency attached by ClinVar (database versions not stated): gnomAD exomes 0.00001; ExAC 0.00002; gnomAD 0.00005; TOPMed 0.00006.
gnomAD v4.1: 12 of 1,193,739 alleles (0.001%); highest among the groups gnomAD compares: African/African-American, 0.021%; no homozygotes.

Submission:

Labcorp Genetics (formerly Invitae), Labcorp
Classification: Uncertain significance. Last evaluated: 2021-12-22. Review status: criteria provided, single submitter. Criteria: Invitae Variant Classification Sherloc (09022015). Collection method: clinical testing. Allele origin: germline.
Comment: This sequence change replaces lysine, which is basic and polar, with asparagine, which is neutral and polar, at codon 433 of the FRMPD4 protein (p.Lys433Asn). This variant is present in population databases (rs761605755, gnomAD 0.03%). This variant has not been reported in the literature in individuals affected with FRMPD4-related conditions. Algorithms developed to predict the effect of missense changes on protein structure and function are either unavailable or do not agree on the potential impact of this missense change (SIFT: "Tolerated"; PolyPhen-2: "Probably Damaging"; Align-GVGD: "Class C0"). In summary, the available evidence is currently insufficient to determine the role of this variant in disease. Therefore, it has been classified as a Variant of Uncertain Significance.

NM_001368397.1(FRMPD4):c.1299G>T (p.Lys433Asn)

Gene: FRMPD4 (FERM and PDZ domain containing 4; plus strand). Cytogenetic location: Xp22.2.
Variant type: single nucleotide variant.
Coding change: c.1299G>T on transcript NM_001368397.1 (MANE Select); coding-DNA position 1299, G replaced by T.
Protein change: p.Lys433Asn; replaces lysine 433 with asparagine.
Molecular consequence: missense variant.
Genome position (GRCh38, 1-based): chrX:12,707,480, G>T. VCF-style: chrX-12707480-G-T. GRCh37 (hg19) VCF-style: chrX-12725599-G-T.
Other names: c.1410G>T, p.Lys470Asn (NM_001368395.3, NM_001368398.3); c.1305G>T, p.Lys435Asn (NM_001368396.3); c.1290G>T, p.Lys430Asn (NM_001368399.3); c.1179G>T, p.Lys393Asn (NM_001368400.3); c.1275G>T, p.Lys425Asn (NM_001368401.1, NM_001368402.3); c.1299G>T, p.Lys433Asn (NM_014728.3); short protein forms K425N, K430N, K433N, K393N, K435N, K470N.
Identifiers: ClinVar variation 1945468 (VCV001945468.5), dbSNP rs761605755, ClinGen allele CA10349273.